The following is an entry in ClinVar:

NM_016026.4(RDH11):c.133G>A (p.Val45Met)

Genes: GPHN (gephyrin; plus strand), RDH11 (retinol dehydrogenase 11; minus strand). Cytogenetic location: 14q24.1.
Variant type: single nucleotide variant.
Coding change: c.133G>A on transcript NM_016026.4 (MANE Select); coding-DNA position 133, G replaced by A.
Protein change: p.Val45Met; replaces valine 45 with methionine.
Molecular consequence: missense variant.
Genome position (GRCh38, 1-based): chr14:67,692,994, C>T on the plus strand (G>A on the coding strand, the complement: RDH11 is on the minus strand). VCF-style: chr14-67692994-C-T. GRCh37 (hg19) VCF-style: chr14-68159711-C-T.
Other names: c.133G>A, p.Val45Met (NM_001252650.2); c.133G>A (NM_016026.3); short protein forms V45M.
Identifiers: ClinVar variation 1440285 (VCV001440285.8), dbSNP rs769282406, ClinGen allele CA7238492.
Genomic context (GRCh38, chr14:67,692,994, plus strand): 5'-CTCTCTGAGCCAGCTCTTTGGCTGTCTCCTTCCCGATACCTGTATTAGCTCCTGTGACCA[C>T]AACTACTTTCCCAGGAAGCTGAACAGTTGATGTACACACCCCACTGGACAGCATTTTCCT-3'
Protein context (NP_057110.3, residues 35-55): STVQLPGKVV[Val45Met]VTGANTGIGK

ClinVar aggregate classification (germline): Uncertain significance. Review status: criteria provided, multiple submitters, no conflicts (2 of 4 stars). 3 submissions from 3 submitters: Uncertain significance (2). 1 of the submissions does not count toward it. Last evaluated 2024-08-27.

Conditions:
RDH11-related disorder. Also called: RDH11-related condition.

Allele frequency attached by ClinVar (database versions not stated): ExAC 0.00001; gnomAD exomes 0.00001.
gnomAD v4.1: 13 of 1,614,174 alleles (0.00081%); highest among the groups gnomAD compares: South Asian, 0.013%; no homozygotes.

Submissions (3):

Labcorp Genetics (formerly Invitae), Labcorp
Classification: Uncertain significance. Last evaluated: 2024-08-27. Review status: criteria provided, single submitter. Criteria: Invitae Variant Classification Sherloc (09022015). Collection method: clinical testing. Allele origin: germline.
Comment: This sequence change replaces valine, which is neutral and non-polar, with methionine, which is neutral and non-polar, at codon 45 of the RDH11 protein (p.Val45Met). This variant is present in population databases (rs769282406, gnomAD 0.006%). This variant has not been reported in the literature in individuals affected with RDH11-related conditions. ClinVar contains an entry for this variant (Variation ID: 1440285). An algorithm developed to predict the effect of missense changes on protein structure and function (PolyPhen-2) suggests that this variant is likely to be disruptive. In summary, the available evidence is currently insufficient to determine the role of this variant in disease. Therefore, it has been classified as a Variant of Uncertain Significance.

Blueprint Genetics
Classification: Uncertain significance. Last evaluated: 2023-11-08. Review status: criteria provided, single submitter. Criteria: ACMG Guidelines, 2015. Collection method: clinical testing. Allele origin: germline.

PreventionGenetics, part of Exact Sciences
Classification: Uncertain significance for RDH11-related condition. Last evaluated: 2024-07-29. Review status: no assertion criteria provided. Collection method: clinical testing. Allele origin: germline. Not counted in ClinVar's aggregate classification.
Comment: The RDH11 c.133G>A variant is predicted to result in the amino acid substitution p.Val45Met. To our knowledge, this variant has not been reported in the literature. This variant is reported in 0.0065% of alleles in individuals of South Asian descent in gnomAD. At this time, the clinical significance of this variant is uncertain due to the absence of conclusive functional and genetic evidence.